The following is an entry in ClinVar:

ClinVar aggregate classification (germline): Uncertain significance. Review status: criteria provided, multiple submitters, no conflicts (2 of 4 stars). 2 submissions from 2 submitters: Uncertain significance (2). Last evaluated 2021-11-11.

Conditions:
Metachromatic leukodystrophy (MLD). Also called: Cerebral sclerosis diffuse metachromatic form; Arylsulfatase A Deficiency; ARSA DEFICIENCY; CEREBROSIDE SULFATASE DEFICIENCY; METACHROMATIC LEUKOENCEPHALOPATHY; SULFATIDE LIPIDOSIS. Identifiers: Orphanet 512, MedGen C0023522, MONDO:0018868, OMIM 250100.

Allele frequency attached by ClinVar (database versions not stated): gnomAD below 0.00001 and 0.00001; gnomAD exomes 0.00001.
gnomAD v4.1: 7 of 1,561,390 alleles (0.00045%); highest among the groups gnomAD compares: South Asian, 0.0071%; 1 homozygote.

Submissions (2):

Labcorp Genetics (formerly Invitae), Labcorp
Classification: Uncertain significance for Metachromatic leukodystrophy. Last evaluated: 2021-11-11. Review status: criteria provided, single submitter. Criteria: Invitae Variant Classification Sherloc (09022015). Collection method: clinical testing. Allele origin: germline.
Comment: This sequence change replaces leucine, which is neutral and non-polar, with valine, which is neutral and non-polar, at codon 51 of the ARSA protein (p.Leu51Val). This variant is not present in population databases (gnomAD no frequency). This variant has not been reported in the literature in individuals affected with ARSA-related conditions. ClinVar contains an entry for this variant (Variation ID: 900916). Advanced modeling of protein sequence and biophysical properties (such as structural, functional, and spatial information, amino acid conservation, physicochemical variation, residue mobility, and thermodynamic stability) performed at Invitae indicates that this missense variant is expected to disrupt ARSA protein function. In summary, the available evidence is currently insufficient to determine the role of this variant in disease. Therefore, it has been classified as a Variant of Uncertain Significance.

Illumina Laboratory Services, Illumina
Classification: Uncertain significance for Metachromatic leukodystrophy. Last evaluated: 2018-01-12. Review status: criteria provided, single submitter. Criteria: ICSL Variant Classification Criteria 13 December 2019. Collection method: clinical testing. Allele origin: germline.

NM_000487.6(ARSA):c.151C>G (p.Leu51Val)

Gene: ARSA (arylsulfatase A; minus strand). Cytogenetic location: 22q13.33.
Variant type: single nucleotide variant.
Coding change: c.151C>G on transcript NM_000487.6 (MANE Select); coding-DNA position 151, C replaced by G.
Protein change: p.Leu51Val; replaces leucine 51 with valine.
Molecular consequence: missense variant. On other transcripts: intron variant (2).
Genome position (GRCh38, 1-based): chr22:50,627,629, G>C on the plus strand (C>G on the coding strand, the complement: ARSA is on the minus strand). VCF-style: chr22-50627629-G-C. GRCh37 (hg19) VCF-style: chr22-51066057-G-C.
Other names: c.151C>G, p.Leu51Val (NM_001085425.3, NM_001085426.3, NM_001085427.3); c.-34-223C>G (NM_001362782.2, NM_001085428.3); short protein forms L51V.
Identifiers: ClinVar variation 900916 (VCV000900916.6), dbSNP rs1348625953, ClinGen allele CA412182608.